The following is an entry in ClinVar:

ClinVar aggregate classification (germline): Uncertain significance (1 of 4 stars; one submission).

Conditions:
Cardiomyopathy (CMYO). Also called: Cardiomyopathies. Identifiers: Orphanet 167848, MedGen C0878544, MONDO:0004994, HP:0001638. Inheritance: Various modes of inheritance.

Allele frequency attached by ClinVar (database versions not stated): gnomAD exomes below 0.00001; ExAC 0.00001.

Submission:

Color Diagnostics, LLC DBA Color Health
Classification: Uncertain significance for Cardiomyopathy. Last evaluated: 2024-03-07. Review status: criteria provided, single submitter. Criteria: ACMG Guidelines, 2015. Collection method: clinical testing. Allele origin: germline.
Comment: This missense variant replaces glutamine with glutamic acid at codon 285 of the DSG2 protein. Computational prediction suggests that this variant may not impact protein structure and function (internally defined REVEL score threshold <= 0.5, PMID: 27666373). To our knowledge, functional studies have not been reported for this variant. This variant has not been reported in individuals affected with cardiovascular disorders in the literature. This variant has been identified in 1/249310 chromosomes in the general population by the Genome Aggregation Database (gnomAD). The available evidence is insufficient to determine the role of this variant in disease conclusively. Therefore, this variant is classified as a Variant of Uncertain Significance.

NM_001943.5(DSG2):c.853C>G (p.Gln285Glu)

Gene: DSG2 (desmoglein 2; plus strand). Cytogenetic location: 18q12.1.
Variant type: single nucleotide variant.
Coding change: c.853C>G on transcript NM_001943.5 (MANE Select); coding-DNA position 853, C replaced by G.
Protein change: p.Gln285Glu; replaces glutamine 285 with glutamic acid.
Molecular consequence: missense variant.
Genome position (GRCh38, 1-based): chr18:31,524,727, C>G. VCF-style: chr18-31524727-C-G. GRCh37 (hg19) VCF-style: chr18-29104690-C-G.
Other names: short protein forms Q285E.
Identifiers: ClinVar variation 1171582 (VCV001171582.3), dbSNP rs781415014, ClinGen allele CA050276.